The following is an entry in ClinVar:

NM_004565.3(PEX14):c.883C>T (p.Pro295Ser)

Gene: PEX14 (peroxisomal biogenesis factor 14; plus strand). Cytogenetic location: 1p36.22.
Variant type: single nucleotide variant.
Coding change: c.883C>T on transcript NM_004565.3 (MANE Select); coding-DNA position 883, C replaced by T.
Protein change: p.Pro295Ser; replaces proline 295 with serine.
Molecular consequence: missense variant.
Genome position (GRCh38, 1-based): chr1:10,629,736, C>T. VCF-style: chr1-10629736-C-T. GRCh37 (hg19) VCF-style: chr1-10689793-C-T.
Other names: short protein forms P295S.
Identifiers: ClinVar variation 291680 (VCV000291680.9), dbSNP rs886045017, ClinGen allele CA10607400.

ClinVar aggregate classification (germline): Uncertain significance. Review status: criteria provided, multiple submitters, no conflicts (2 of 4 stars). 2 submissions from 2 submitters: Uncertain significance (2). Last evaluated 2022-05-28.

Conditions:
Peroxisome biogenesis disorder, complementation group K (CGK). Identifiers: MedGen C1866257, MONDO:0800365.
Peroxisome biogenesis disorder 13A (Zellweger). Also called: Peroxisome biogenesis disorder 13A. Identifiers: Orphanet 912, MedGen C3554004, MONDO:0013952, OMIM 614887.

Submissions (2):

Labcorp Genetics (formerly Invitae), Labcorp
Classification: Uncertain significance for Peroxisome biogenesis disorder, complementation group K. Last evaluated: 2022-05-28. Review status: criteria provided, single submitter. Criteria: Invitae Variant Classification Sherloc (09022015). Collection method: clinical testing. Allele origin: germline.
Comment: This variant is not present in population databases (gnomAD no frequency). This sequence change replaces proline, which is neutral and non-polar, with serine, which is neutral and polar, at codon 295 of the PEX14 protein (p.Pro295Ser). This variant has not been reported in the literature in individuals affected with PEX14-related conditions. ClinVar contains an entry for this variant (Variation ID: 291680). Algorithms developed to predict the effect of missense changes on protein structure and function (SIFT, PolyPhen-2, Align-GVGD) all suggest that this variant is likely to be tolerated. In summary, the available evidence is currently insufficient to determine the role of this variant in disease. Therefore, it has been classified as a Variant of Uncertain Significance.

Illumina Laboratory Services, Illumina
Classification: Uncertain significance for Peroxisome biogenesis disorder 13A (Zellweger). Last evaluated: 2018-01-12. Review status: criteria provided, single submitter. Criteria: ICSL Variant Classification Criteria 13 December 2019. Collection method: clinical testing. Allele origin: germline.